The following is an entry in ClinVar:

ClinVar aggregate classification (germline): Benign/Likely benign. Review status: criteria provided, multiple submitters, no conflicts (2 of 4 stars). 3 submissions from 3 submitters: Benign (1); Likely benign (2). Last evaluated 2026-01-11.

Conditions:
Autosomal recessive proximal renal tubular acidosis (PRTAO). Also called: PROXIMAL RENAL TUBULAR ACIDOSIS-OCULAR ANOMALY SYNDROME; RENAL TUBULAR ACIDOSIS, PROXIMAL, WITH OCULAR ABNORMALITIES AND IMPAIRED INTELLECTUAL DEVELOPMENT; RTA, PROXIMAL, AUTOSOMAL RECESSIVE; RENAL TUBULAR ACIDOSIS, PROXIMAL, WITH OCULAR ABNORMALITIES AND MENTAL RETARDATION. Identifiers: Orphanet 93607, MedGen C1970309, MONDO:0011422, OMIM 604278.

Allele frequency attached by ClinVar (database versions not stated): gnomAD exomes 0.00022 and 0.00062; ExAC 0.00072; 1000 Genomes Project 0.00260; gnomAD 0.00261 and 0.00289; 1000 Genomes Project 30x 0.00265; ESP Exome Variant Server 0.00292; TOPMed 0.00306.
gnomAD v4.1: 751 of 1,613,990 alleles (0.047%); highest among the groups gnomAD compares: African/African-American, 0.85%; 3 homozygotes.

Submissions (3):

Labcorp Genetics (formerly Invitae), Labcorp
Classification: Benign. Last evaluated: 2026-01-11. Review status: criteria provided, single submitter. Criteria: Invitae Variant Classification Sherloc (09022015). Collection method: clinical testing. Allele origin: germline.

Fulgent Genetics
Classification: Likely benign for Autosomal recessive proximal renal tubular acidosis. Last evaluated: 2022-05-05. Review status: criteria provided, single submitter. Criteria: ACMG Guidelines, 2015. Collection method: clinical testing. Allele origin: unknown.

Illumina Laboratory Services, Illumina
Classification: Likely benign for Autosomal recessive proximal renal tubular acidosis. Last evaluated: 2018-01-13. Review status: criteria provided, single submitter. Criteria: ICSL Variant Classification Criteria 13 December 2019. Collection method: clinical testing. Allele origin: germline.
Comment: This variant was observed in the ICSL laboratory as part of a predisposition screen in an ostensibly healthy population. It had not been previously curated by ICSL or reported in the Human Gene Mutation Database (HGMD: prior to June 1st, 2018), and was therefore a candidate for classification through an automated scoring system. Utilizing variant allele frequency, disease prevalence and penetrance estimates, and inheritance mode, an automated score was calculated to assess if this variant is too frequent to cause the disease. Based on the score and internal cut-off values, a variant classified as likely benign is not then subjected to further curation. The score for this variant resulted in a classification of likely benign for this disease.

NM_001098484.3(SLC4A4):c.550+3A>G

Gene: SLC4A4 (solute carrier family 4 member 4; plus strand). Cytogenetic location: 4q13.3.
Variant type: single nucleotide variant.
Coding change: c.550+3A>G on transcript NM_001098484.3 (MANE Select); 3 bases into the intron after coding-DNA position 550, A replaced by G.
Molecular consequence: intron variant.
Genome position (GRCh38, 1-based): chr4:71,350,075, A>G. VCF-style: chr4-71350075-A-G. GRCh37 (hg19) VCF-style: chr4-72215792-A-G.
Other names: c.550+3A>G (NM_001134742.2); c.418+3A>G (NM_003759.4).
Identifiers: ClinVar variation 780466 (VCV000780466.13), dbSNP rs199790542, ClinGen allele CA2954585.
Genomic context (GRCh38, chr4:71,350,075, plus strand): 5'-ATGGAGAAAGGATCCATCATGCTTGATCGGGAGGCTTCTTCTCTCCCACAGTTGGTGGGT[A>G]AGTATGCTGTTTGAATTTTATCCTATTTTTTTCGGCTTTCCCTAGCCACATGTCTCCATC-3'